The following is an entry in ClinVar:

NM_002662.5(PLD1):c.2593+1G>A

Gene: PLD1 (phospholipase D1; minus strand). Cytogenetic location: 3q26.31.
Variant type: single nucleotide variant.
Coding change: c.2593+1G>A on transcript NM_002662.5 (MANE Select); the canonical splice donor site of the intron after coding-DNA position 2593, G replaced by A.
Molecular consequence: splice donor variant.
Genome position (GRCh38, 1-based): chr3:171,642,839, C>T on the plus strand (G>A on the coding strand, the complement: PLD1 is on the minus strand). VCF-style: chr3-171642839-C-T. GRCh37 (hg19) VCF-style: chr3-171360629-C-T.
Other names: c.2479+1G>A (NM_001130081.3).
Identifiers: ClinVar variation 3235803 (VCV003235803.3), dbSNP rs367799271, ClinGen allele CA2704184.
Genomic context (GRCh38, chr3:171,642,839, plus strand): 5'-TTACTGATACCTCACCTTCATAATAAAAAACAATGATATGAGAAAAAAAGCAGTTACTTA[C>T]GCTCTGCTTTTAACTGTCCAAGGATGGAATTTTCTCCTCTGCACATGGTTCTGAAAATAT-3'

ClinVar aggregate classification (germline): Pathogenic/Likely pathogenic. Review status: criteria provided, multiple submitters, no conflicts (2 of 4 stars). 2 submissions from 2 submitters: Pathogenic (1); Likely pathogenic (1). Last evaluated 2026-05-26.

Conditions:
Cardiac valvular defect, developmental (CVDP1). Also called: CARDIAC VALVULAR DYSPLASIA 1. Identifiers: MedGen C5774175, MONDO:0008913, OMIM 212093.

Allele frequency attached by ClinVar (database versions not stated): TOPMed 0.00001; ExAC 0.00002; ESP Exome Variant Server 0.00008.
gnomAD v4.1: 9 of 1,553,478 alleles (0.00058%); highest among the groups gnomAD compares: East Asian, 0.0023%; no homozygotes.

Submissions (2):

GeneDx
Classification: Pathogenic. Last evaluated: 2026-05-26. Review status: criteria provided, single submitter. Criteria: GeneDx Variant Classification Process June 2021. Collection method: clinical testing. Allele origin: germline.
Comment: Canonical splice site variant predicted to result in a null allele in a gene for which loss of function is a known mechanism of disease; Not observed at significant frequency in large population cohorts (gnomAD); Has not been previously published as pathogenic or benign to our knowledge

Greenwood Genetic Center Diagnostic Laboratories, Greenwood Genetic Center
Classification: Likely pathogenic for Cardiac valvular defect, developmental. Last evaluated: 2024-03-20. Review status: criteria provided, single submitter. Criteria: ACMG Guidelines, 2015. Collection method: clinical testing. Allele origin: germline. Affected: yes.
Comment: PP3_Strong, PM2